The following is an entry in ClinVar:

ClinVar aggregate classification (germline): Uncertain significance (1 of 4 stars; one submission).

Conditions:
Insulin-dependent diabetes mellitus secretory diarrhea syndrome (IPEX). Also called: Immunodysregulation, polyendocrinopathy, and enteropathy, X-linked; Immune dysregulation-polyendocrinopathy-enteropathy-X-linked syndrome; DIABETES MELLITUS, CONGENITAL INSULIN-DEPENDENT, WITH FATAL SECRETORY DIARRHEA; DIARRHEA, POLYENDOCRINOPATHY, FATAL INFECTION SYNDROME, X-LINKED; ENTEROPATHY, AUTOIMMUNE, WITH HEMOLYTIC ANEMIA AND POLYENDOCRINOPATHY; IMMUNODEFICIENCY, POLYENDOCRINOPATHY, AND ENTEROPATHY, X-LINKED. Identifiers: Orphanet 37042, MedGen C0342288, MONDO:0010580, OMIM 304790. Disease mechanism: loss of function.

Submission:

3billion
Classification: Uncertain significance for Insulin-dependent diabetes mellitus secretory diarrhea syndrome. Last evaluated: 2025-06-18. Review status: criteria provided, single submitter. Criteria: ACMG Guidelines, 2015. Collection method: clinical testing. Allele origin: germline. Affected: yes.
Comment: The variant is not observed in the gnomAD v4.1.0 dataset. Predicted Consequence/Location: Missense variant Different missense changes at the same codon have been reported as of uncertain significance (ClinVar ID: VCV003375656). Therefore, this variant is classified as VUS according to the recommendation of ACMG/AMP guideline.

NM_014009.4(FOXP3):c.877C>T (p.Pro293Ser)

Gene: FOXP3 (forkhead box P3; minus strand). Cytogenetic location: Xp11.23.
Variant type: single nucleotide variant.
Coding change: c.877C>T on transcript NM_014009.4 (MANE Select); coding-DNA position 877, C replaced by T.
Protein change: p.Pro293Ser; replaces proline 293 with serine.
Molecular consequence: missense variant.
Genome position (GRCh38, 1-based): chrX:49,254,007, G>A on the plus strand (C>T on the coding strand, the complement: FOXP3 is on the minus strand). VCF-style: chrX-49254007-G-A. GRCh37 (hg19) VCF-style: chrX-49110468-G-A.
Other names: c.772C>T, p.Pro258Ser (NM_001114377.2); short protein forms P258S, P293S.
Identifiers: ClinVar variation 4855924 (VCV004855924.1).